The following is an entry in ClinVar:

ClinVar aggregate classification (germline): Uncertain significance (1 of 4 stars; one submission).

Allele frequency attached by ClinVar (database versions not stated): gnomAD exomes 0.00002.
gnomAD v4.1: 15 of 1,613,684 alleles (0.00093%); highest among the groups gnomAD compares: Non-Finnish European, 0.0013%; no homozygotes.

Submission:

Women's Health and Genetics/Laboratory Corporation of America, LabCorp
Classification: Uncertain significance. Last evaluated: 2023-07-13. Review status: criteria provided, single submitter. Criteria: LabCorp Variant Classification Summary - May 2015. Collection method: clinical testing. Allele origin: germline.
Comment: Variant summary: ZNF292 c.5630C>T (p.Thr1877Ile) results in a non-conservative amino acid change in the encoded protein sequence. Four of five in-silico tools predict a benign effect of the variant on protein function. The variant allele was found at a frequency of 4e-06 in 248342 control chromosomes. The available data on variant occurrences in the general population are insufficient to allow any conclusion about variant significance. To our knowledge, no occurrence of c.5630C>T in individuals affected with Autosomal Dominant Intellectual Developmental Disorder 64 and no experimental evidence demonstrating its impact on protein function have been reported. No submitters have cited clinical-significance assessments for this variant to ClinVar after 2014. Based on the evidence outlined above, the variant was classified as uncertain significance.

NM_015021.3(ZNF292):c.5630C>T (p.Thr1877Ile)

Gene: ZNF292 (zinc finger protein 292; plus strand). Cytogenetic location: 6q14.3.
Variant type: single nucleotide variant.
Coding change: c.5630C>T on transcript NM_015021.3 (MANE Select); coding-DNA position 5630, C replaced by T.
Protein change: p.Thr1877Ile; replaces threonine 1877 with isoleucine.
Molecular consequence: missense variant.
Genome position (GRCh38, 1-based): chr6:87,259,259, C>T. VCF-style: chr6-87259259-C-T. GRCh37 (hg19) VCF-style: chr6-87968977-C-T.
Other names: c.5210C>T, p.Thr1737Ile (NM_001351444.2); short protein forms T1737I, T1877I.
Identifiers: ClinVar variation 2577112 (VCV002577112.1), dbSNP rs1209095419, ClinGen allele CA364932898.